The following is an entry in ClinVar:

NM_003482.4(KMT2D):c.8204G>A (p.Gly2735Asp)

Gene: KMT2D (lysine methyltransferase 2D; minus strand). Cytogenetic location: 12q13.12.
Variant type: single nucleotide variant.
Coding change: c.8204G>A on transcript NM_003482.4 (MANE Select); coding-DNA position 8204, G replaced by A.
Protein change: p.Gly2735Asp; replaces glycine 2735 with aspartic acid.
Molecular consequence: missense variant.
Genome position (GRCh38, 1-based): chr12:49,039,460, C>T on the plus strand (G>A on the coding strand, the complement: KMT2D is on the minus strand). VCF-style: chr12-49039460-C-T. GRCh37 (hg19) VCF-style: chr12-49433243-C-T.
Other names: short protein forms G2735D.
Identifiers: ClinVar variation 2879950 (VCV002879950.4), dbSNP rs2120511574, ClinGen allele CA384743369.

ClinVar aggregate classification (germline): Uncertain significance. Review status: criteria provided, multiple submitters, no conflicts (2 of 4 stars). 2 submissions from 2 submitters: Uncertain significance (2). Last evaluated 2026-09-18.

Conditions:
Kabuki syndrome. Also called: NIIKAWA-KUROKI SYNDROME; Kabuki make-up syndrome. Identifiers: Orphanet 2322, MedGen C0796004, MONDO:0016512.
KMT2D-related disorder. Also called: KMT2D-Related Disorders.

Allele frequency attached by ClinVar (database versions not stated): gnomAD exomes below 0.00001.
gnomAD v4.1: 1 of 1,603,336 alleles (0.000062%); highest among the groups gnomAD compares: Non-Finnish European, 0.000085%; no homozygotes.

Submissions (2):

PreventionGenetics, part of Exact Sciences
Classification: Uncertain significance for KMT2D-related condition. Last evaluated: 2026-09-18. Review status: criteria provided, single submitter. Criteria: ACMG Guidelines, 2015. Collection method: clinical testing. Allele origin: germline.
Comment: The KMT2D c.8204G>A variant is predicted to result in the amino acid substitution p.Gly2735Asp. To our knowledge, this variant has not been reported in the literature. This variant is reported in 0.0% of alleles in individuals of African descent in gnomAD. At this time, the clinical significance of this variant is uncertain due to the absence of conclusive functional and genetic evidence.

Labcorp Genetics (formerly Invitae), Labcorp
Classification: Uncertain significance for Kabuki syndrome. Last evaluated: 2025-11-05. Review status: criteria provided, single submitter. Criteria: Invitae Variant Classification Sherloc (09022015). Collection method: clinical testing. Allele origin: germline.
Comment: This sequence change replaces glycine, which is neutral and non-polar, with aspartic acid, which is acidic and polar, at codon 2735 of the KMT2D protein (p.Gly2735Asp). This variant is not present in population databases (gnomAD no frequency). This variant has not been reported in the literature in individuals affected with KMT2D-related conditions. ClinVar contains an entry for this variant (Variation ID: 2879950). Invitae Evidence Modeling of protein sequence and biophysical properties (such as structural, functional, and spatial information, amino acid conservation, physicochemical variation, residue mobility, and thermodynamic stability) indicates that this missense variant is not expected to disrupt KMT2D protein function with a negative predictive value of 95%. In summary, the available evidence is currently insufficient to determine the role of this variant in disease. Therefore, it has been classified as a Variant of Uncertain Significance.